The following is an entry in ClinVar:

NM_001201543.2(FAM161A):c.1741A>C (p.Lys581Gln)

Gene: FAM161A (FAM161 centrosomal protein A; minus strand). Cytogenetic location: 2p15.
Variant type: single nucleotide variant.
Coding change: c.1741A>C on transcript NM_001201543.2 (MANE Select); coding-DNA position 1741, A replaced by C.
Protein change: p.Lys581Gln; replaces lysine 581 with glutamine.
Molecular consequence: missense variant. On other transcripts: intron variant (1).
Genome position (GRCh38, 1-based): chr2:61,838,548, T>G on the plus strand (A>C on the coding strand, the complement: FAM161A is on the minus strand). VCF-style: chr2-61838548-T-G. GRCh37 (hg19) VCF-style: chr2-62065683-T-G.
Other names: c.1583+873A>C (NM_032180.3); short protein forms K581Q.
Identifiers: ClinVar variation 1473646 (VCV001473646.5), dbSNP rs1263933465, ClinGen allele CA346985868.
Genomic context (GRCh38, chr2:61,838,548, plus strand): 5'-AAAGAGTTTGAAAACCAGTGGTCTGGAGATTCAAGATTTTTTCATGATACCTGAGACATT[T>G]TACTCTGGATTTAGATATTTGAGCTAAACTTTGATGTGAGTCATAAGCCTTAGCCCGGGT-3'
Protein context (NP_001188472.1, residues 571-591): SLAQISKSRV[Lys581Gln]CLRKSEKERM

ClinVar aggregate classification (germline): Uncertain significance (1 of 4 stars; one submission).

Allele frequency attached by ClinVar (database versions not stated): gnomAD exomes below 0.00001; TOPMed below 0.00001.
gnomAD v4.1: 1 of 1,604,134 alleles (0.000062%); highest among the groups gnomAD compares: Non-Finnish European, 0.000085%; no homozygotes.

Submission:

Labcorp Genetics (formerly Invitae), Labcorp
Classification: Uncertain significance. Last evaluated: 2021-08-26. Review status: criteria provided, single submitter. Criteria: Invitae Variant Classification Sherloc (09022015). Collection method: clinical testing. Allele origin: germline.
Comment: This sequence change replaces lysine with glutamine at codon 581 of the FAM161A protein (p.Lys581Gln). The lysine residue is weakly conserved and there is a small physicochemical difference between lysine and glutamine. This variant is not present in population databases (ExAC no frequency). This variant has not been reported in the literature in individuals affected with FAM161A-related conditions. Algorithms developed to predict the effect of missense changes on protein structure and function are either unavailable or do not agree on the potential impact of this missense change (SIFT: "Deleterious"; PolyPhen-2: "Possibly Damaging"; Align-GVGD: "Class C0"). In summary, the available evidence is currently insufficient to determine the role of this variant in disease. Therefore, it has been classified as a Variant of Uncertain Significance.